The following is an entry in ClinVar:

NM_001868.4(CPA1):c.800G>T (p.Ser267Ile)

Gene: CPA1 (carboxypeptidase A1; plus strand). Cytogenetic location: 7q32.2.
Variant type: single nucleotide variant.
Coding change: c.800G>T on transcript NM_001868.4 (MANE Select); coding-DNA position 800, G replaced by T.
Protein change: p.Ser267Ile; replaces serine 267 with isoleucine.
Molecular consequence: missense variant.
Genome position (GRCh38, 1-based): chr7:130,385,158, G>T. VCF-style: chr7-130385158-G-T. GRCh37 (hg19) VCF-style: chr7-130024999-G-T.
Other names: short protein forms S267I.
Identifiers: ClinVar variation 1761638 (VCV001761638.2), dbSNP rs2536012025, ClinGen allele CA369283220.
Genomic context (GRCh38, chr7:130,385,158, plus strand): 5'-CACAGAAGCTGGAGGAGCCACACCGCCATGCCCTCTGTCCCCCCACAGTGTCCGGAGCCA[G>T]CAGTAACCCCTGCTCGGAGACTTACCACGGCAAGTTTGCCAATTCCGAAGTGGAGGTCAA-3'
Protein context (NP_001859.1, residues 257-277): WDAGFGLSGA[Ser267Ile]SNPCSETYHG

ClinVar aggregate classification (germline): Uncertain significance (1 of 4 stars; one submission).

Conditions:
Hereditary pancreatitis (PCTT). Also called: Hereditary chronic pancreatitis; PRSS1-Related Hereditary Pancreatitis. Identifiers: Orphanet 676, MedGen C0238339, MONDO:0008185, OMIM 167800.

Submission:

Ambry Genetics
Classification: Uncertain significance for Hereditary pancreatitis. Last evaluated: 2021-07-27. Review status: criteria provided, single submitter. Criteria: Ambry Variant Classification Scheme 2023. Collection method: clinical testing. Allele origin: germline.
Comment: The p.S267I variant (also known as c.800G>T), located in coding exon 8 of the CPA1 gene, results from a G to T substitution at nucleotide position 800. The serine at codon 267 is replaced by isoleucine, an amino acid with dissimilar properties. This amino acid position is conserved. In addition, the in silico prediction for this alteration is inconclusive. Since supporting evidence is limited at this time, the clinical significance of this alteration remains unclear.